The following is an entry in ClinVar:

NM_002299.4(LCT):c.2993A>G (p.Asp998Gly)

Gene: LCT (lactase; minus strand). Cytogenetic location: 2q21.3.
Variant type: single nucleotide variant.
Coding change: c.2993A>G on transcript NM_002299.4 (MANE Select); coding-DNA position 2993, A replaced by G.
Protein change: p.Asp998Gly; replaces aspartic acid 998 with glycine.
Molecular consequence: missense variant.
Genome position (GRCh38, 1-based): chr2:135,809,354, T>C on the plus strand (A>G on the coding strand, the complement: LCT is on the minus strand). VCF-style: chr2-135809354-T-C. GRCh37 (hg19) VCF-style: chr2-136566924-T-C.
Other names: short protein forms D998G.
Identifiers: ClinVar variation 2094078 (VCV002094078.4), dbSNP rs972171092, ClinGen allele CA56613475.

ClinVar aggregate classification (germline): Uncertain significance (1 of 4 stars; one submission).

Allele frequency attached by ClinVar (database versions not stated): gnomAD exomes 0.00001; TOPMed 0.00002; gnomAD 0.00003.
gnomAD v4.1: 23 of 1,614,090 alleles (0.0014%); highest among the groups gnomAD compares: Non-Finnish European, 0.0018%; no homozygotes.

Submission:

Labcorp Genetics (formerly Invitae), Labcorp
Classification: Uncertain significance. Last evaluated: 2023-10-13. Review status: criteria provided, single submitter. Criteria: Invitae Variant Classification Sherloc (09022015). Collection method: clinical testing. Allele origin: germline.
Comment: This sequence change replaces aspartic acid, which is acidic and polar, with glycine, which is neutral and non-polar, at codon 998 of the LCT protein (p.Asp998Gly). This variant is present in population databases (no rsID available, gnomAD 0.002%). This variant has not been reported in the literature in individuals affected with LCT-related conditions. ClinVar contains an entry for this variant (Variation ID: 2094078). Advanced modeling of protein sequence and biophysical properties (such as structural, functional, and spatial information, amino acid conservation, physicochemical variation, residue mobility, and thermodynamic stability) performed at Invitae indicates that this missense variant is not expected to disrupt LCT protein function. In summary, the available evidence is currently insufficient to determine the role of this variant in disease. Therefore, it has been classified as a Variant of Uncertain Significance.